The following is an entry in ClinVar:

ClinVar aggregate classification (germline): Uncertain significance (1 of 4 stars; one submission).

Conditions:
Inborn genetic diseases. Identifiers: MedGen C0950123, MeSH D030342.

Submission:

Ambry Genetics
Classification: Uncertain significance for Inborn genetic diseases. Last evaluated: 2018-09-15. Review status: criteria provided, single submitter. Criteria: Ambry Variant Classification Scheme 2023. Collection method: clinical testing. Allele origin: germline.
Comment: The p.T174A variant (also known as c.520A>G), located in coding exon 7 of the CDKL5 gene, results from an A to G substitution at nucleotide position 520. The threonine at codon 174 is replaced by alanine, an amino acid with similar properties. This amino acid position is highly conserved in available vertebrate species. In addition, this alteration is predicted to be deleterious by in silico analysis. Since supporting evidence is limited at this time, the clinical significance of this alteration remains unclear.

NM_001323289.2(CDKL5):c.520A>G (p.Thr174Ala)

Gene: CDKL5 (cyclin dependent kinase like 5; plus strand). Cytogenetic location: Xp22.13.
Variant type: single nucleotide variant.
Coding change: c.520A>G on transcript NM_001323289.2 (MANE Select); coding-DNA position 520, A replaced by G.
Protein change: p.Thr174Ala; replaces threonine 174 with alanine.
Molecular consequence: missense variant.
Genome position (GRCh38, 1-based): chrX:18,584,319, A>G. VCF-style: chrX-18584319-A-G. GRCh37 (hg19) VCF-style: chrX-18602439-A-G.
Other names: c.520A>G, p.Thr174Ala (NM_001037343.2, NM_003159.3); short protein forms T174A.
Identifiers: ClinVar variation 1746082 (VCV001746082.2), dbSNP rs2518853534, ClinGen allele CA412352441.